The following is an entry in ClinVar:

ClinVar aggregate classification (germline): Uncertain significance (1 of 4 stars; one submission).

Submission:

Labcorp Genetics (formerly Invitae), Labcorp
Classification: Uncertain significance. Last evaluated: 2024-06-03. Review status: criteria provided, single submitter. Criteria: Invitae Variant Classification Sherloc (09022015). Collection method: clinical testing. Allele origin: germline.
Comment: This sequence change replaces serine, which is neutral and polar, with asparagine, which is neutral and polar, at codon 542 of the NRIP1 protein (p.Ser542Asn). This variant is not present in population databases (gnomAD no frequency). This variant has not been reported in the literature in individuals affected with NRIP1-related conditions. ClinVar contains an entry for this variant (Variation ID: 2018384). An algorithm developed to predict the effect of missense changes on protein structure and function (PolyPhen-2) suggests that this variant is likely to be disruptive. In summary, the available evidence is currently insufficient to determine the role of this variant in disease. Therefore, it has been classified as a Variant of Uncertain Significance.

NM_003489.4(NRIP1):c.1625G>A (p.Ser542Asn)

Gene: NRIP1 (nuclear receptor interacting protein 1; minus strand). Cytogenetic location: 21q11.2.
Variant type: single nucleotide variant.
Coding change: c.1625G>A on transcript NM_003489.4 (MANE Select); coding-DNA position 1625, G replaced by A.
Protein change: p.Ser542Asn; replaces serine 542 with asparagine.
Molecular consequence: missense variant.
Genome position (GRCh38, 1-based): chr21:14,966,568, C>T on the plus strand (G>A on the coding strand, the complement: NRIP1 is on the minus strand). VCF-style: chr21-14966568-C-T. GRCh37 (hg19) VCF-style: chr21-16338889-C-T.
Other names: short protein forms S542N.
Identifiers: ClinVar variation 2018384 (VCV002018384.4), dbSNP rs2516271660, ClinGen allele CA409829657.